The following is an entry in ClinVar:

NM_005321.3(H1-4):c.591G>A (p.Lys197=)

Gene: H1-4 (H1.4 linker histone, cluster member; plus strand). Cytogenetic location: 6p22.2.
Variant type: single nucleotide variant.
Coding change: c.591G>A on transcript NM_005321.3 (MANE Select); coding-DNA position 591, G replaced by A.
Protein change: p.Lys197=; no amino-acid change (lysine 197 retained).
Molecular consequence: synonymous variant.
Genome position (GRCh38, 1-based): chr6:26,156,981, G>A. VCF-style: chr6-26156981-G-A. GRCh37 (hg19) VCF-style: chr6-26157209-G-A.
Identifiers: ClinVar variation 4822353 (VCV004822353.4).
Genomic context (GRCh38, chr6:26,156,981, plus strand): 5'-AGCAGCCAAGCCAAAAAAGGCGCCCAAGAGCCCAGCGAAGGCCAAAGCAGTTAAACCCAA[G>A]GCGGCTAAACCAAAGACCGCCAAGCCCAAGGCAGCCAAGCCAAAGAAGGCGGCAGCCAAG-3'
Protein context (NP_005312.1, residues 187-207): SPAKAKAVKP[Lys197=]AAKPKTAKPK

ClinVar aggregate classification (germline): Likely benign (1 of 4 stars; one submission).

Submission:

CeGaT Center for Human Genetics Tuebingen
Classification: Likely benign. Last evaluated: 2026-03-01. Review status: criteria provided, single submitter. Criteria: CeGaT Center For Human Genetics Tuebingen Variant Classification Criteria Version 2. Collection method: clinical testing. Allele origin: germline. Affected: yes. Observed: 1 variant allele.
Comment: H1-4: BP4, BP7